The following is an entry in ClinVar:

ClinVar aggregate classification (germline): Uncertain significance (1 of 4 stars; one submission).

Allele frequency attached by ClinVar (database versions not stated): ExAC 0.00001; ESP Exome Variant Server 0.00008.
gnomAD v4.1: 8 of 1,613,792 alleles (0.0005%); highest among the groups gnomAD compares: East Asian, 0.0022%; no homozygotes.

Submission:

Labcorp Genetics (formerly Invitae), Labcorp
Classification: Uncertain significance. Last evaluated: 2024-02-17. Review status: criteria provided, single submitter. Criteria: Invitae Variant Classification Sherloc (09022015). Collection method: clinical testing. Allele origin: germline.
Comment: This sequence change replaces isoleucine, which is neutral and non-polar, with valine, which is neutral and non-polar, at codon 1145 of the MYO3A protein (p.Ile1145Val). This variant is present in population databases (rs139675957, gnomAD 0.0009%). This variant has not been reported in the literature in individuals affected with MYO3A-related conditions. Advanced modeling of protein sequence and biophysical properties (such as structural, functional, and spatial information, amino acid conservation, physicochemical variation, residue mobility, and thermodynamic stability) performed at Invitae indicates that this missense variant is not expected to disrupt MYO3A protein function with a negative predictive value of 80%. In summary, the available evidence is currently insufficient to determine the role of this variant in disease. Therefore, it has been classified as a Variant of Uncertain Significance.

NM_017433.5(MYO3A):c.3433A>G (p.Ile1145Val)

Gene: MYO3A (myosin IIIA; plus strand). Cytogenetic location: 10p12.1.
Variant type: single nucleotide variant.
Coding change: c.3433A>G on transcript NM_017433.5 (MANE Select); coding-DNA position 3433, A replaced by G.
Protein change: p.Ile1145Val; replaces isoleucine 1145 with valine.
Molecular consequence: missense variant.
Genome position (GRCh38, 1-based): chr10:26,173,697, A>G. VCF-style: chr10-26173697-A-G. GRCh37 (hg19) VCF-style: chr10-26462626-A-G.
Other names: short protein forms I1145V.
Identifiers: ClinVar variation 2895330 (VCV002895330.3), dbSNP rs139675957, ClinGen allele CA5445268.
Genomic context (GRCh38, chr10:26,173,697, plus strand): 5'-ATTCAAAGATAATATATTTTACACAGGGAATCTTTCGTGAAGAAACAAGCAGAAAATGCA[A>G]TCTCTGCTAATGAAAGATTCATTTCAGCTCCAAATAATAAAGGAAGTGTATCTGTAGTGA-3'
Protein context (NP_059129.3, residues 1135-1155): SFVKKQAENA[Ile1145Val]SANERFISAP